The following is an entry in ClinVar:

ClinVar aggregate classification (germline): Uncertain significance (1 of 4 stars; one submission).

Conditions:
POLD1-related polyposis and colorectal cancer syndrome (CRCS10). Also called: Colorectal cancer 10; COLORECTAL CANCER, SUSCEPTIBILITY TO, ON CHROMOSOME 19q; Colorectal cancer, susceptibility to, 10. Identifiers: Orphanet 220460, MedGen C2675481, MONDO:0012953, OMIM 612591.

Submission:

Labcorp Genetics (formerly Invitae), Labcorp
Classification: Uncertain significance for POLD1-related polyposis and colorectal cancer syndrome. Last evaluated: 2022-02-18. Review status: criteria provided, single submitter. Criteria: Invitae Variant Classification Sherloc (09022015). Collection method: clinical testing. Allele origin: germline.
Comment: In summary, the available evidence is currently insufficient to determine the role of this variant in disease. Therefore, it has been classified as a Variant of Uncertain Significance. Algorithms developed to predict the effect of missense changes on protein structure and function are either unavailable or do not agree on the potential impact of this missense change (SIFT: "Deleterious"; PolyPhen-2: "Probably Damaging"; Align-GVGD: "Class C0"). This variant has not been reported in the literature in individuals affected with POLD1-related conditions. This variant is not present in population databases (gnomAD no frequency). This sequence change replaces glycine, which is neutral and non-polar, with aspartic acid, which is acidic and polar, at codon 859 of the POLD1 protein (p.Gly859Asp).

NM_002691.4(POLD1):c.2576G>A (p.Gly859Asp)

Gene: POLD1 (DNA polymerase delta 1, catalytic subunit; plus strand). Cytogenetic location: 19q13.33.
Variant type: single nucleotide variant.
Coding change: c.2576G>A on transcript NM_002691.4 (MANE Select); coding-DNA position 2576, G replaced by A.
Protein change: p.Gly859Asp; replaces glycine 859 with aspartic acid.
Molecular consequence: missense variant. On other transcripts: non-coding transcript variant (1).
Genome position (GRCh38, 1-based): chr19:50,415,449, G>A. VCF-style: chr19-50415449-G-A. GRCh37 (hg19) VCF-style: chr19-50918706-G-A.
Other names: c.2576G>A, p.Gly859Asp (NM_001256849.1); c.2654G>A, p.Gly885Asp (NM_001308632.1); short protein forms G885D, G859D.
Identifiers: ClinVar variation 2098785 (VCV002098785.4), dbSNP rs2122474257, ClinGen allele CA406985301.